The following is an entry in ClinVar:

ClinVar aggregate classification (germline): Uncertain significance (1 of 4 stars; one submission).

gnomAD v4.1: 2 of 1,614,170 alleles (0.00012%); highest among the groups gnomAD compares: Non-Finnish European, 0.000085%; no homozygotes.

Submission:

Labcorp Genetics (formerly Invitae), Labcorp
Classification: Uncertain significance. Last evaluated: 2024-02-23. Review status: criteria provided, single submitter. Criteria: Invitae Variant Classification Sherloc (09022015). Collection method: clinical testing. Allele origin: germline.
Comment: This sequence change replaces threonine, which is neutral and polar, with serine, which is neutral and polar, at codon 1352 of the COL2A1 protein (p.Thr1352Ser). This variant is not present in population databases (gnomAD no frequency). This variant has not been reported in the literature in individuals affected with COL2A1-related conditions. Advanced modeling of protein sequence and biophysical properties (such as structural, functional, and spatial information, amino acid conservation, physicochemical variation, residue mobility, and thermodynamic stability) has been performed at Invitae for this missense variant, however the output from this modeling did not meet the statistical confidence thresholds required to predict the impact of this variant on COL2A1 protein function. In summary, the available evidence is currently insufficient to determine the role of this variant in disease. Therefore, it has been classified as a Variant of Uncertain Significance.

NM_001844.5(COL2A1):c.4055C>G (p.Thr1352Ser)

Gene: COL2A1 (collagen type II alpha 1 chain; minus strand). Cytogenetic location: 12q13.11.
Variant type: single nucleotide variant.
Coding change: c.4055C>G on transcript NM_001844.5 (MANE Select); coding-DNA position 4055, C replaced by G.
Protein change: p.Thr1352Ser; replaces threonine 1352 with serine.
Molecular consequence: missense variant.
Genome position (GRCh38, 1-based): chr12:47,974,694, G>C on the plus strand (C>G on the coding strand, the complement: COL2A1 is on the minus strand). VCF-style: chr12-47974694-G-C. GRCh37 (hg19) VCF-style: chr12-48368477-G-C.
Other names: c.3848C>G, p.Thr1283Ser (NM_033150.3); short protein forms T1283S, T1352S.
Identifiers: ClinVar variation 3669512 (VCV003669512.2).